The following is an entry in ClinVar:

NM_000515.5(GH1):c.86C>A (p.Thr29Asn)

Genes: GH-LCR (growth hormone locus control region; plus strand), GH1 (growth hormone 1; minus strand). Cytogenetic location: 17q23.3.
Variant type: single nucleotide variant.
Coding change: c.86C>A on transcript NM_000515.5 (MANE Select); coding-DNA position 86, C replaced by A.
Protein change: p.Thr29Asn; replaces threonine 29 with asparagine.
Molecular consequence: missense variant.
Genome position (GRCh38, 1-based): chr17:63,918,431, G>T on the plus strand (C>A on the coding strand, the complement: GH1 is on the minus strand). VCF-style: chr17-63918431-G-T. GRCh37 (hg19) VCF-style: chr17-61995791-G-T.
Other names: c.86C>A, p.Thr29Asn (NM_022559.4, NM_022560.4); short protein forms T29N.
Identifiers: ClinVar variation 1492197 (VCV001492197.6), dbSNP rs1187600273, ClinGen allele CA400613572.

ClinVar aggregate classification (germline): Uncertain significance (1 of 4 stars; one submission).

Allele frequency attached by ClinVar (database versions not stated): gnomAD exomes below 0.00001.
gnomAD v4.1: 1 of 1,614,202 alleles (0.000062%); highest among the groups gnomAD compares: Non-Finnish European, 0.000085%; no homozygotes.

Submission:

Labcorp Genetics (formerly Invitae), Labcorp
Classification: Uncertain significance. Last evaluated: 2025-11-10. Review status: criteria provided, single submitter. Criteria: Invitae Variant Classification Sherloc (09022015). Collection method: clinical testing. Allele origin: germline.
Comment: This sequence change replaces threonine, which is neutral and polar, with asparagine, which is neutral and polar, at codon 29 of the GH1 protein (p.Thr29Asn). This variant is present in population databases (no rsID available, gnomAD 0.0009%). This variant has not been reported in the literature in individuals affected with GH1-related conditions. ClinVar contains an entry for this variant (Variation ID: 1492197). An algorithm developed to predict the effect of missense changes on protein structure and function (PolyPhen-2) suggests that this variant is likely to be tolerated. In summary, the available evidence is currently insufficient to determine the role of this variant in disease. Therefore, it has been classified as a Variant of Uncertain Significance.